The following is an entry in ClinVar:

NM_003073.5(SMARCB1):c.709A>G (p.Ile237Val)

Gene: SMARCB1 (SWI/SNF related BAF chromatin remodeling complex subunit B1; plus strand). Cytogenetic location: 22q11.23.
Variant type: single nucleotide variant.
Coding change: c.709A>G on transcript NM_003073.5 (MANE Select); coding-DNA position 709, A replaced by G.
Protein change: p.Ile237Val; replaces isoleucine 237 with valine.
Molecular consequence: missense variant.
Genome position (GRCh38, 1-based): chr22:23,816,850, A>G. VCF-style: chr22-23816850-A-G. GRCh37 (hg19) VCF-style: chr22-24159037-A-G.
Other names: c.682A>G, p.Ile228Val (NM_001007468.3); c.736A>G, p.Ile246Val (NM_001317946.2); c.763A>G, p.Ile255Val (NM_001362877.2); short protein forms I228V, I237V, I246V, I255V.
Identifiers: ClinVar variation 3446065 (VCV003446065.1).

ClinVar aggregate classification (germline): Uncertain significance (1 of 4 stars; one submission).

Conditions:
Hereditary cancer-predisposing syndrome. Also called: Tumor predisposition; Neoplastic Syndromes, Hereditary; Hereditary neoplastic syndrome; Hereditary Cancer Syndrome. Identifiers: Orphanet 140162, MedGen C0027672, MeSH D009386, MONDO:0015356.

gnomAD v4.1: 2 of 1,613,902 alleles (0.00012%); highest among the groups gnomAD compares: African/African-American, 0.0027%; no homozygotes.

Submission:

Ambry Genetics
Classification: Uncertain significance for Hereditary cancer-predisposing syndrome. Last evaluated: 2024-10-13. Review status: criteria provided, single submitter. Criteria: Ambry Variant Classification Scheme 2023. Collection method: clinical testing. Allele origin: germline.
Comment: The p.I237V variant (also known as c.709A>G), located in coding exon 6 of the SMARCB1 gene, results from an A to G substitution at nucleotide position 709. The isoleucine at codon 237 is replaced by valine, an amino acid with highly similar properties. This amino acid position is conserved. In addition, the in silico prediction for this alteration is inconclusive. Based on the available evidence, the clinical significance of this variant remains unclear.